The following is an entry in ClinVar:

ClinVar aggregate classification (germline): Pathogenic (1 of 4 stars; one submission).

Conditions:
Familial adenomatous polyposis 4 (FAP4). Also called: MSH3-related attenuated familial adenomatous polyposis. Identifiers: Orphanet 480536, MedGen C4310719, MONDO:0044300, OMIM 617100.

Submission:

Myriad Genetics, Inc.
Classification: Pathogenic for Familial adenomatous polyposis 4. Last evaluated: 2025-03-04. Review status: criteria provided, single submitter. Criteria: Myriad Autosomal Dominant, Autosomal Recessive and X-Linked Classification Criteria (2023). Collection method: clinical testing. Allele origin: unknown.
Comment: This variant is considered pathogenic. This variant creates a frameshift predicted to result in premature protein truncation.

NM_002439.5(MSH3):c.2734_2735delinsC (p.Ile912fs)

Gene: MSH3 (mutS homolog 3; plus strand). Cytogenetic location: 5q14.1.
Variant type: Indel.
Coding change: c.2734_2735delinsC on transcript NM_002439.5 (MANE Select); coding-DNA positions 2734 to 2735, AT replaced by C.
Protein change: p.Ile912fs; shifts the reading frame from isoleucine 912.
Molecular consequence: frameshift variant.
Genome position (GRCh38, 1-based): chr5:80,813,662-80,813,663, AT replaced by C. VCF-style: chr5-80813662-AT-C. GRCh37 (hg19) VCF-style: chr5-80109481-AT-C.
Other names: short protein forms I912fs.
Identifiers: ClinVar variation 3904735 (VCV003904735.1).
Genomic context (GRCh38, chr5:80,813,662, plus strand): 5'-ATGATAATTACCGGACCAAACATGGGTGGAAAGAGCTCCTACATAAAACAAGTTGCATTG[AT>C]TACCATCATGGCTCAGATTGGCTCCTATGTTCCTGCAGAAGAAGCGACAATTGGGATTGT-3'